The following is an entry in ClinVar:

ClinVar aggregate classification (germline): Uncertain significance (1 of 4 stars; one submission).

Submission:

GeneDx
Classification: Uncertain significance. Last evaluated: 2025-01-29. Review status: criteria provided, single submitter. Criteria: GeneDx Variant Classification Process June 2021. Collection method: clinical testing. Allele origin: germline. Affected: yes.
Comment: Not observed at significant frequency in large population cohorts (gnomAD); In silico analysis supports that this missense variant has a deleterious effect on protein structure/function; Has not been previously published as pathogenic or benign to our knowledge

NM_000142.5(FGFR3):c.815A>T (p.Glu272Val)

Gene: FGFR3 (fibroblast growth factor receptor 3; plus strand). Cytogenetic location: 4p16.3.
Variant type: single nucleotide variant.
Coding change: c.815A>T on transcript NM_000142.5 (MANE Select); coding-DNA position 815, A replaced by T.
Protein change: p.Glu272Val; replaces glutamic acid 272 with valine.
Molecular consequence: missense variant. On other transcripts: non-coding transcript variant (1).
Genome position (GRCh38, 1-based): chr4:1,801,910, A>T. VCF-style: chr4-1801910-A-T. GRCh37 (hg19) VCF-style: chr4-1803637-A-T.
Other names: c.815A>T, p.Glu272Val (NM_001163213.2, NM_001354809.2, NM_001354810.2 and 1 more transcripts); short protein forms E272V.
Identifiers: ClinVar variation 4072586 (VCV004072586.1).
Genomic context (GRCh38, chr4:1,801,910, plus strand): 5'-GGCCCATCCTGCAGGCGGGGCTGCCGGCCAACCAGACGGCGGTGCTGGGCAGCGACGTGG[A>T]GTTCCACTGCAAGGTGTACAGTGACGCACAGCCCCACATCCAGTGGCTCAAGCACGTGGA-3'
Protein context (NP_000133.1, residues 262-282): NQTAVLGSDV[Glu272Val]FHCKVYSDAQ